The following is an entry in ClinVar:

NM_020297.4(ABCC9):c.3070A>G (p.Ile1024Val)

Gene: ABCC9 (ATP binding cassette subfamily C member 9; minus strand). Cytogenetic location: 12p12.1.
Variant type: single nucleotide variant.
Coding change: c.3070A>G on transcript NM_020297.4 (MANE Select); coding-DNA position 3070, A replaced by G.
Protein change: p.Ile1024Val; replaces isoleucine 1024 with valine.
Molecular consequence: missense variant.
Genome position (GRCh38, 1-based): chr12:21,845,629, T>C on the plus strand (A>G on the coding strand, the complement: ABCC9 is on the minus strand). VCF-style: chr12-21845629-T-C. GRCh37 (hg19) VCF-style: chr12-21998563-T-C.
Other names: c.3070A>G (NM_005691.2); c.3070A>G, p.Ile1024Val (NM_001377273.1, NM_005691.4); c.2203A>G, p.Ile735Val (NM_001377274.1); short protein forms I1024V, I735V.
Identifiers: ClinVar variation 449748 (VCV000449748.16), dbSNP rs376701259, ClinGen allele CA6481223.

ClinVar aggregate classification (germline): Conflicting classifications of pathogenicity. Review status: criteria provided, conflicting classifications (1 of 4 stars). 7 submissions from 7 submitters: Uncertain significance (3); Likely benign (1). 3 of the submissions do not count toward it. Last evaluated 2025-09-08.

Conditions:
Dilated cardiomyopathy 1O (CMD1O). Also called: CARDIOMYOPATHY, DILATED, WITH VENTRICULAR TACHYCARDIA. Identifiers: Orphanet 154, MedGen C1837839, MONDO:0012062, OMIM 608569.
Cardiovascular phenotype. Identifiers: MedGen CN230736.

Allele frequency attached by ClinVar (database versions not stated): gnomAD exomes 0.00002 and 0.00005; ExAC 0.00003; TOPMed 0.00004; gnomAD 0.00005 and 0.00006; ESP Exome Variant Server 0.00015.
gnomAD v4.1: 80 of 1,613,602 alleles (0.005%); highest among the groups gnomAD compares: Non-Finnish European, 0.0064%; no homozygotes.

Submissions (7):

Labcorp Genetics (formerly Invitae), Labcorp
Classification: Uncertain significance for Dilated cardiomyopathy 1O. Last evaluated: 2025-09-08. Review status: criteria provided, single submitter. Criteria: Invitae Variant Classification Sherloc (09022015). Collection method: clinical testing. Allele origin: germline.
Comment: This sequence change replaces isoleucine, which is neutral and non-polar, with valine, which is neutral and non-polar, at codon 1024 of the ABCC9 protein (p.Ile1024Val). This variant is present in population databases (rs376701259, gnomAD 0.006%). This missense change has been observed in individual(s) with dilated cardiomyopathy (PMID: 31983221). ClinVar contains an entry for this variant (Variation ID: 449748). Invitae Evidence Modeling of protein sequence and biophysical properties (such as structural, functional, and spatial information, amino acid conservation, physicochemical variation, residue mobility, and thermodynamic stability) indicates that this missense variant is not expected to disrupt ABCC9 protein function with a negative predictive value of 95%. In summary, the available evidence is currently insufficient to determine the role of this variant in disease. Therefore, it has been classified as a Variant of Uncertain Significance.

Ambry Genetics
Classification: Likely benign for Cardiovascular phenotype. Last evaluated: 2024-11-15. Review status: criteria provided, single submitter. Criteria: Ambry Variant Classification Scheme 2023. Collection method: clinical testing. Allele origin: germline.

Women's Health and Genetics/Laboratory Corporation of America, LabCorp
Classification: Uncertain significance. Last evaluated: 2019-08-26. Review status: criteria provided, single submitter. Criteria: LabCorp Variant Classification Summary - May 2015. Collection method: clinical testing. Allele origin: germline.
Comment: Variant summary: ABCC9 c.3070A>G (p.Ile1024Val) results in a conservative amino acid change located in the ABC transporter type 1, transmembrane domain (IPR011527) of the encoded protein sequence. Five of five in-silico tools predict a benign effect of the variant on protein function. The variant allele was found at a frequency of 2.8e-05 in 282282 control chromosomes, predominantly at a frequency of 6.2e-05 within the Non-Finnish European subpopulation in the gnomAD database. The available data on variant occurrences in the general population are insufficient to allow any conclusion about variant significance. To our knowledge, no occurrence of c.3070A>G in individuals affected with Cardiomyopathy and no experimental evidence demonstrating its impact on protein function have been reported. A co-occurrence with another pathogenic variant has been reported (PKP2 c.2146-1G>C; LabCorp). A ClinVar submitter (evaluation after 2014) cites the variant as uncertain significance. Based on the evidence outlined above, the variant was classified as uncertain significance.

GeneDx
Classification: Uncertain significance. Last evaluated: 2017-10-31. Review status: criteria provided, single submitter. Criteria: GeneDx Variant Classification (06012015). Collection method: clinical testing. Allele origin: germline. Affected: yes.
Comment: A variant of uncertain significance has been identified in the ABCC9 gene. The I1024V variant has not been published as pathogenic or been reported as benign to our knowledge. This variant is observed in 8/126210 (0.01%) alleles from individuals of European (non-Finnish) ancestry in large population cohorts (Lek et al., 2016). The I1024V variant is a conservative amino acid substitution, which is not likely to impact secondary protein structure as these residues share similar properties. This substitution occurs at a position that is not conserved across species and where valine (V) is present as the wild type in at least one species. Finally, in silico analysis predicts this variant likely does not alter the protein structure/function.

Clinical Genetics DNA and cytogenetics Diagnostics Lab, Erasmus MC, Erasmus Medical Center
Classification: Likely benign. Review status: no assertion criteria provided. Collection method: clinical testing. Allele origin: germline. Affected: yes. Study: VKGL Data-share Consensus. Not counted in ClinVar's aggregate classification.

Clinical Genetics, Academic Medical Center
Classification: Benign. Review status: no assertion criteria provided. Collection method: clinical testing. Allele origin: germline. Affected: yes. Study: VKGL Data-share Consensus. Not counted in ClinVar's aggregate classification.

Joint Genome Diagnostic Labs from Nijmegen and Maastricht, Radboudumc and MUMC+
Classification: Likely benign. Review status: no assertion criteria provided. Collection method: clinical testing. Allele origin: germline. Affected: yes. Study: VKGL Data-share Consensus. Not counted in ClinVar's aggregate classification.

Literature cited by the submitters: PubMed 31983221 (cited by Labcorp Genetics (formerly Invitae), Labcorp).